The following is an entry in ClinVar:

NM_004787.4(SLIT2):c.380C>T (p.Ala127Val)

Gene: SLIT2 (slit guidance ligand 2; plus strand). Cytogenetic location: 4p15.31.
Variant type: single nucleotide variant.
Coding change: c.380C>T on transcript NM_004787.4 (MANE Select); coding-DNA position 380, C replaced by T.
Protein change: p.Ala127Val; replaces alanine 127 with valine.
Molecular consequence: missense variant.
Genome position (GRCh38, 1-based): chr4:20,268,866, C>T. VCF-style: chr4-20268866-C-T. GRCh37 (hg19) VCF-style: chr4-20270489-C-T.
Other names: c.380C>T, p.Ala127Val (NM_001289135.3, NM_001289136.3); short protein forms A127V.
Identifiers: ClinVar variation 4696198 (VCV004696198.1).

ClinVar aggregate classification (germline): Uncertain significance (1 of 4 stars; one submission).

gnomAD v4.1: 26 of 1,603,060 alleles (0.0016%); highest among the groups gnomAD compares: Admixed American, 0.028%; no homozygotes.

Submission:

Labcorp Genetics (formerly Invitae), Labcorp
Classification: Uncertain significance. Last evaluated: 2025-10-18. Review status: criteria provided, single submitter. Criteria: Invitae Variant Classification Sherloc (09022015). Collection method: clinical testing. Allele origin: germline.
Comment: This sequence change replaces alanine, which is neutral and non-polar, with valine, which is neutral and non-polar, at codon 127 of the SLIT2 protein (p.Ala127Val). This variant is present in population databases (no rsID available, gnomAD 0.02%). This variant has not been reported in the literature in individuals affected with SLIT2-related conditions. An algorithm developed to predict the effect of missense changes on protein structure and function (PolyPhen-2) suggests that this variant is likely to be tolerated. In summary, the available evidence is currently insufficient to determine the role of this variant in disease. Therefore, it has been classified as a Variant of Uncertain Significance.